The following is an entry in ClinVar:

NM_004327.4(BCR):c.3055G>A (p.Val1019Ile)

Gene: BCR (BCR activator of RhoGEF and GTPase; plus strand). Cytogenetic location: 22q11.23.
Variant type: single nucleotide variant.
Coding change: c.3055G>A on transcript NM_004327.4 (MANE Select); coding-DNA position 3055, G replaced by A.
Protein change: p.Val1019Ile; replaces valine 1019 with isoleucine.
Molecular consequence: missense variant.
Genome position (GRCh38, 1-based): chr22:23,309,466, G>A. VCF-style: chr22-23309466-G-A. GRCh37 (hg19) VCF-style: chr22-23651653-G-A.
Other names: c.2923G>A, p.Val975Ile (NM_021574.3); short protein forms V1019I, V975I.
Identifiers: ClinVar variation 2652963 (VCV002652963.24), dbSNP rs370103167, ClinGen allele CA10142841.
Genomic context (GRCh38, chr22:23,309,466, plus strand): 5'-ATGACTCCTTCCTTTCAGCTGGACCCGCAGGCCCTGCAGGACAGAGACTGGCAGCGCACC[G>A]TCATCGCCATGAATGGGGTACGTGTCCGTGGGACTCTCCTGGTGCCCACTTCCCCCAGAA-3'
Protein context (NP_004318.3, residues 1009-1029): ALQDRDWQRT[Val1019Ile]IAMNGIEVKL

ClinVar aggregate classification (germline): Likely benign (1 of 4 stars; one submission).

Allele frequency attached by ClinVar (database versions not stated): TOPMed 0.00002; ESP Exome Variant Server 0.00008; ExAC 0.00014.
gnomAD v4.1: 62 of 1,603,114 alleles (0.0039%); highest among the groups gnomAD compares: South Asian, 0.017%; no homozygotes.

Submission:

CeGaT Center for Human Genetics Tuebingen
Classification: Likely benign. Last evaluated: 2023-08-01. Review status: criteria provided, single submitter. Criteria: CeGaT Center For Human Genetics Tuebingen Variant Classification Criteria Version 2. Collection method: clinical testing. Allele origin: germline. Affected: yes. Observed: 1 variant allele.
Comment: BCR: BP4